The following is an entry in ClinVar:

ClinVar aggregate classification (germline): Likely benign. Review status: criteria provided, multiple submitters, no conflicts (2 of 4 stars). 3 submissions from 3 submitters: Likely benign (3). Last evaluated 2025-11-02.

Conditions:
Hypercalcemia, infantile, 2 (HCINF2). Identifiers: Orphanet 300547, MedGen C4310473, MONDO:0014851, OMIM 616963.
Hypophosphatemic nephrolithiasis/osteoporosis 1. Identifiers: Orphanet 244305, MedGen C2676786, MONDO:0012850, OMIM 612286.
Fanconi renotubular syndrome 2 (FRTS2). Identifiers: MedGen C3150652, MONDO:0013247, OMIM 613388.

Allele frequency attached by ClinVar (database versions not stated): ExAC 0.00002; gnomAD exomes 0.00004; TOPMed 0.00004; gnomAD 0.00005; ESP Exome Variant Server 0.00008.
gnomAD v4.1: 196 of 1,612,120 alleles (0.012%); highest among the groups gnomAD compares: Non-Finnish European, 0.016%; no homozygotes.

Submissions (3):

Labcorp Genetics (formerly Invitae), Labcorp
Classification: Likely benign. Last evaluated: 2025-11-02. Review status: criteria provided, single submitter. Criteria: Invitae Variant Classification Sherloc (09022015). Collection method: clinical testing. Allele origin: germline.

Fulgent Genetics
Classification: Likely benign for Hypophosphatemic nephrolithiasis/osteoporosis 1; Fanconi renotubular syndrome 2; Hypercalcemia, infantile, 2. Last evaluated: 2022-03-22. Review status: criteria provided, single submitter. Criteria: ACMG Guidelines, 2015. Collection method: clinical testing. Allele origin: unknown.

Illumina Laboratory Services, Illumina
Classification: Likely benign for Hypophosphatemic nephrolithiasis/osteoporosis 1. Last evaluated: 2018-01-13. Review status: criteria provided, single submitter. Criteria: ICSL Variant Classification Criteria 13 December 2019. Collection method: clinical testing. Allele origin: germline.
Comment: This variant was observed in the ICSL laboratory as part of a predisposition screen in an ostensibly healthy population. It had not been previously curated by ICSL or reported in the Human Gene Mutation Database (HGMD: prior to June 1st, 2018), and was therefore a candidate for classification through an automated scoring system. Utilizing variant allele frequency, disease prevalence and penetrance estimates, and inheritance mode, an automated score was calculated to assess if this variant is too frequent to cause the disease. Based on the score and internal cut-off values, a variant classified as likely benign is not then subjected to further curation. The score for this variant resulted in a classification of likely benign for this disease.

NM_003052.5(SLC34A1):c.1443C>T (p.Asn481=)

Gene: SLC34A1 (solute carrier family 34 member 1; plus strand). Cytogenetic location: 5q35.3.
Variant type: single nucleotide variant.
Coding change: c.1443C>T on transcript NM_003052.5 (MANE Select); coding-DNA position 1443, C replaced by T.
Protein change: p.Asn481=; no amino-acid change (asparagine 481 retained).
Molecular consequence: synonymous variant.
Genome position (GRCh38, 1-based): chr5:177,397,809, C>T. VCF-style: chr5-177397809-C-T. GRCh37 (hg19) VCF-style: chr5-176824810-C-T.
Identifiers: ClinVar variation 904364 (VCV000904364.13), dbSNP rs137867155, ClinGen allele CA3580801.